The following is an entry in ClinVar:

NM_002047.4(GARS1):c.1708G>A (p.Val570Ile)

Gene: GARS1 (glycyl-tRNA synthetase 1; plus strand). Cytogenetic location: 7p14.3.
Variant type: single nucleotide variant.
Coding change: c.1708G>A on transcript NM_002047.4 (MANE Select); coding-DNA position 1708, G replaced by A.
Protein change: p.Val570Ile; replaces valine 570 with isoleucine.
Molecular consequence: missense variant.
Genome position (GRCh38, 1-based): chr7:30,628,568, G>A. VCF-style: chr7-30628568-G-A. GRCh37 (hg19) VCF-style: chr7-30668184-G-A.
Other names: c.1546G>A, p.Val516Ile (NM_001316772.1); short protein forms V516I, V570I.
Identifiers: ClinVar variation 1318463 (VCV001318463.2), dbSNP rs1783172399, ClinGen allele CA367129515.

ClinVar aggregate classification (germline): Uncertain significance (1 of 4 stars; one submission).

Allele frequency attached by ClinVar (database versions not stated): TOPMed below 0.00001.

Submission:

GeneDx
Classification: Uncertain significance. Last evaluated: 2019-11-08. Review status: criteria provided, single submitter. Criteria: GeneDx Variant Classification Process June 2021. Collection method: clinical testing. Allele origin: germline. Affected: yes.
Comment: Has not been previously published as pathogenic or benign to our knowledge; In silico analysis, which includes protein predictors and evolutionary conservation, supports that this variant does not alter protein structure/function; Not observed in large population cohorts (Lek et al., 2016)